The following is an entry in ClinVar:

ClinVar aggregate classification (germline): Uncertain significance. Review status: criteria provided, multiple submitters, no conflicts (2 of 4 stars). 3 submissions from 3 submitters: Uncertain significance (3). Last evaluated 2025-07-03.

Conditions:
ADSS1-related disorder. Also called: ADSS1-related condition.
Inborn genetic diseases. Identifiers: MedGen C0950123, MeSH D030342.

Allele frequency attached by ClinVar (database versions not stated): TOPMed 0.00004; gnomAD 0.00006; ExAC 0.00008; gnomAD exomes 0.00008.

Submissions (3):

Ambry Genetics
Classification: Uncertain significance for Inborn genetic diseases. Last evaluated: 2025-07-03. Review status: criteria provided, single submitter. Criteria: Ambry Variant Classification Scheme 2023. Collection method: clinical testing. Allele origin: germline.

PreventionGenetics, part of Exact Sciences
Classification: Uncertain significance for ADSS1-related condition. Last evaluated: 2023-07-12. Review status: criteria provided, single submitter. Criteria: ACMG Guidelines, 2015. Collection method: clinical testing. Allele origin: germline.
Comment: The ADSS1 c.958G>A variant is predicted to result in the amino acid substitution p.Val320Met. To our knowledge, this variant has not been reported in the literature. This variant is reported in 0.016% of alleles in individuals of South Asian descent in gnomAD. At this time, the clinical significance of this variant is uncertain due to the absence of conclusive functional and genetic evidence.

Labcorp Genetics (formerly Invitae), Labcorp
Classification: Uncertain significance. Last evaluated: 2022-07-26. Review status: criteria provided, single submitter. Criteria: Invitae Variant Classification Sherloc (09022015). Collection method: clinical testing. Allele origin: germline.
Comment: This sequence change replaces valine, which is neutral and non-polar, with methionine, which is neutral and non-polar, at codon 320 of the ADSSL1 protein (p.Val320Met). This variant is present in population databases (rs758718604, gnomAD 0.02%). This variant has not been reported in the literature in individuals affected with ADSSL1-related conditions. ClinVar contains an entry for this variant (Variation ID: 1681972). Algorithms developed to predict the effect of missense changes on protein structure and function are either unavailable or do not agree on the potential impact of this missense change (SIFT: "Not Available"; PolyPhen-2: "Probably Damaging"; Align-GVGD: "Not Available"). In summary, the available evidence is currently insufficient to determine the role of this variant in disease. Therefore, it has been classified as a Variant of Uncertain Significance.

NM_152328.5(ADSS1):c.829G>A (p.Val277Met)

Gene: ADSS1 (adenylosuccinate synthase 1; plus strand). Cytogenetic location: 14q32.33.
Variant type: single nucleotide variant.
Coding change: c.829G>A on transcript NM_152328.5 (MANE Select); coding-DNA position 829, G replaced by A.
Protein change: p.Val277Met; replaces valine 277 with methionine.
Molecular consequence: missense variant.
Genome position (GRCh38, 1-based): chr14:104,741,883, G>A. VCF-style: chr14-104741883-G-A. GRCh37 (hg19) VCF-style: chr14-105208220-G-A.
Other names: c.958G>A (NM_199165.1); c.214G>A, p.Val72Met (NM_001320424.1); c.958G>A, p.Val320Met (NM_199165.2); short protein forms V277M, V320M, V72M.
Identifiers: ClinVar variation 1681972 (VCV001681972.6), dbSNP rs758718604, ClinGen allele CA7373889.